The following is an entry in ClinVar:

ClinVar aggregate classification (germline): Uncertain significance (1 of 4 stars; one submission).

Submission:

Women's Health and Genetics/Laboratory Corporation of America, LabCorp
Classification: Uncertain significance. Last evaluated: 2024-09-10. Review status: criteria provided, single submitter. Criteria: LabCorp Variant Classification Summary - May 2015. Collection method: clinical testing. Allele origin: germline.
Comment: Variant summary: ADAMTS2 c.3403_3404insGCTA (p.Ser1135CysfsX30) results in a premature termination codon in the last exon of the gene, predicted to cause a truncation of the encoded protein. The variant was absent in 251404 control chromosomes. The available data on variant occurrences in the general population are insufficient to allow any conclusion about variant significance. To our knowledge, no occurrence of c.3403_3404insGCTA in individuals affected with Ehlers-Danlos Syndrome, Type VIIC (Dermatosparaxis) and no experimental evidence demonstrating its impact on protein function have been reported. No submitters have cited clinical-significance assessments for this variant to ClinVar. Based on the evidence outlined above, the variant was classified as uncertain significance.

NM_014244.5(ADAMTS2):c.3403_3404insGCTA (p.Ser1135fs)

Gene: ADAMTS2 (ADAM metallopeptidase with thrombospondin type 1 motif 2; minus strand). Cytogenetic location: 5q35.3.
Variant type: Insertion.
Coding change: c.3403_3404insGCTA on transcript NM_014244.5 (MANE Select); coding-DNA positions 3403 to 3404, GCTA inserted.
Protein change: p.Ser1135fs; shifts the reading frame from serine 1135.
Molecular consequence: frameshift variant.
Genome position: GRCh38 VCF-style: chr5-179114099-G-GTAGC. GRCh37 (hg19) VCF-style: chr5-178541100-G-GTAGC.
Other names: short protein forms S1135fs.
Identifiers: ClinVar variation 3374953 (VCV003374953.1).